The following is an entry in ClinVar:

NM_004385.5(VCAN):c.6872A>G (p.Glu2291Gly)

Genes: VCAN (versican; plus strand), VCAN-AS1 (VCAN antisense RNA 1; minus strand). Cytogenetic location: 5q14.3.
Variant type: single nucleotide variant.
Coding change: c.6872A>G on transcript NM_004385.5 (MANE Select); coding-DNA position 6872, A replaced by G.
Protein change: p.Glu2291Gly; replaces glutamic acid 2291 with glycine.
Molecular consequence: missense variant. On other transcripts: intron variant (2).
Genome position (GRCh38, 1-based): chr5:83,539,875, A>G. VCF-style: chr5-83539875-A-G. GRCh37 (hg19) VCF-style: chr5-82835694-A-G.
Other names: c.3911A>G, p.Glu1304Gly (NM_001164097.2); c.4004-5662A>G (NM_001164098.2); c.1043-5662A>G (NM_001126336.3); short protein forms E2291G, E1304G.
Identifiers: ClinVar variation 1503576 (VCV001503576.8), dbSNP rs2112445908, ClinGen allele CA360313520.

ClinVar aggregate classification (germline): Uncertain significance (1 of 4 stars; one submission).

Submission:

Labcorp Genetics (formerly Invitae), Labcorp
Classification: Uncertain significance. Last evaluated: 2022-10-05. Review status: criteria provided, single submitter. Criteria: Invitae Variant Classification Sherloc (09022015). Collection method: clinical testing. Allele origin: germline.
Comment: This variant is not present in population databases (gnomAD no frequency). Algorithms developed to predict the effect of missense changes on protein structure and function output the following: SIFT: "Deleterious"; PolyPhen-2: "Benign"; Align-GVGD: "Class C35". The glycine amino acid residue is found in multiple mammalian species, which suggests that this missense change does not adversely affect protein function. ClinVar contains an entry for this variant (Variation ID: 1503576). This variant has not been reported in the literature in individuals affected with VCAN-related conditions. This sequence change replaces glutamic acid, which is acidic and polar, with glycine, which is neutral and non-polar, at codon 2291 of the VCAN protein (p.Glu2291Gly). In summary, the available evidence is currently insufficient to determine the role of this variant in disease. Therefore, it has been classified as a Variant of Uncertain Significance.